The following is an entry in ClinVar:

NM_001378457.1(DMXL2):c.6889A>G (p.Ser2297Gly)

Gene: DMXL2 (Dmx like 2; minus strand). Cytogenetic location: 15q21.2.
Variant type: single nucleotide variant.
Coding change: c.6889A>G on transcript NM_001378457.1 (MANE Select); coding-DNA position 6889, A replaced by G.
Protein change: p.Ser2297Gly; replaces serine 2297 with glycine.
Molecular consequence: missense variant. On other transcripts: non-coding transcript variant (2).
Genome position (GRCh38, 1-based): chr15:51,476,664, T>C on the plus strand (A>G on the coding strand, the complement: DMXL2 is on the minus strand). VCF-style: chr15-51476664-T-C. GRCh37 (hg19) VCF-style: chr15-51768861-T-C.
Other names: c.6889A>G, p.Ser2297Gly (NM_001174116.3, NM_001378459.1, NM_001378461.1 and 1 more transcripts); c.4978A>G, p.Ser1660Gly (NM_001174117.3); c.6886A>G, p.Ser2296Gly (NM_001378458.1, NM_001378462.1, NM_015263.5); c.4867A>G, p.Ser1623Gly (NM_001378460.1); c.6646A>G, p.Ser2216Gly (NM_001378464.1); c.6889A>G (NM_001174116.1); short protein forms S2216G, S2297G, S1623G, S1660G, S2296G.
Identifiers: ClinVar variation 1391124 (VCV001391124.10), dbSNP rs377682060, ClinGen allele CA7561517.

ClinVar aggregate classification (germline): Uncertain significance. Review status: criteria provided, multiple submitters, no conflicts (2 of 4 stars). 4 submissions from 4 submitters: Uncertain significance (4). Last evaluated 2026-08-14.

Conditions:
DMXL2-related disorder. Also called: DMXL2-related condition.
Inborn genetic diseases. Identifiers: MedGen C0950123, MeSH D030342.

Allele frequency attached by ClinVar (database versions not stated): ExAC 0.00001; gnomAD exomes 0.00001 and 0.00005; gnomAD 0.00003; TOPMed 0.00003; ESP Exome Variant Server 0.00008.
gnomAD v4.1: 70 of 1,610,408 alleles (0.0043%); highest among the groups gnomAD compares: Non-Finnish European, 0.0057%; no homozygotes.

Submissions (5):

PreventionGenetics, part of Exact Sciences
Classification: Uncertain significance for DMXL2-related condition. Last evaluated: 2026-08-14. Review status: criteria provided, single submitter. Criteria: ACMG Guidelines, 2015. Collection method: clinical testing. Allele origin: germline.
Comment: The DMXL2 c.6889A>G variant is predicted to result in the amino acid substitution p.Ser2297Gly. To our knowledge, this variant has not been reported in the literature. This variant is reported in 0.0018% of alleles in individuals of European (Non-Finnish) descent in gnomAD. At this time, the clinical significance of this variant is uncertain due to the absence of conclusive functional and genetic evidence.

Women's Health and Genetics/Laboratory Corporation of America, LabCorp
Classification: Uncertain significance. Last evaluated: 2025-05-23. Review status: criteria provided, single submitter. Criteria: LabCorp Variant Classification Summary - May 2015. Collection method: clinical testing. Allele origin: germline.
Comment: Variant summary: DMXL2 c.6886A>G (p.Ser2296Gly) results in a non-conservative amino acid change in the encoded protein sequence. Algorithms developed to predict the effect of missense changes on protein structure and function are either unavailable or do not agree on the potential impact of this missense change. The variant allele was found at a frequency of 1.2e-05 in 247330 control chromosomes. The available data on variant occurrences in the general population are insufficient to allow any conclusion about variant significance. To our knowledge, no occurrence of c.6886A>G in individuals affected with DMXL2-Related Disorders and no experimental evidence demonstrating its impact on protein function have been reported. ClinVar contains an entry for this variant (Variation ID: 1391124). Based on the evidence outlined above, the variant was classified as uncertain significance.

Ambry Genetics
Classification: Uncertain significance for Inborn genetic diseases. Last evaluated: 2024-12-05. Review status: criteria provided, single submitter. Criteria: Ambry Variant Classification Scheme 2023. Collection method: clinical testing. Allele origin: germline.

Labcorp Genetics (formerly Invitae), Labcorp
Classification: Uncertain significance. Last evaluated: 2024-10-23. Review status: criteria provided, single submitter. Criteria: Invitae Variant Classification Sherloc (09022015). Collection method: clinical testing. Allele origin: germline.
Comment: This sequence change replaces serine, which is neutral and polar, with glycine, which is neutral and non-polar, at codon 2297 of the DMXL2 protein (p.Ser2297Gly). This variant is present in population databases (rs377682060, gnomAD 0.003%). This variant has not been reported in the literature in individuals affected with DMXL2-related conditions. ClinVar contains an entry for this variant (Variation ID: 1391124). An algorithm developed to predict the effect of missense changes on protein structure and function (PolyPhen-2) suggests that this variant is likely to be disruptive. Algorithms developed to predict the effect of sequence changes on RNA splicing suggest that this variant may create or strengthen a splice site. In summary, the available evidence is currently insufficient to determine the role of this variant in disease. Therefore, it has been classified as a Variant of Uncertain Significance.

Dr. Peter K. Rogan Lab, Western University
No classification provided (evidence only). Condition: Thyroid cancer, nonmedullary, 1. Review status: no classification provided. Collection method: in vitro. Allele origin: not applicable. Functional consequence: retained intron. Not counted in ClinVar's aggregate classification.